The following is an entry in ClinVar:

NM_017934.7(PHIP):c.431C>T (p.Pro144Leu)

Gene: PHIP (PHIP subunit of CUL4-Ring ligase complex; minus strand). Cytogenetic location: 6q14.1.
Variant type: single nucleotide variant.
Coding change: c.431C>T on transcript NM_017934.7 (MANE Select); coding-DNA position 431, C replaced by T.
Protein change: p.Pro144Leu; replaces proline 144 with leucine.
Molecular consequence: missense variant.
Genome position (GRCh38, 1-based): chr6:79,060,486, G>A on the plus strand (C>T on the coding strand, the complement: PHIP is on the minus strand). VCF-style: chr6-79060486-G-A. GRCh37 (hg19) VCF-style: chr6-79770203-G-A.
Other names: short protein forms P144L.
Identifiers: ClinVar variation 1312408 (VCV001312408.3), dbSNP rs1773317660, ClinGen allele CA364650954.

ClinVar aggregate classification (germline): Uncertain significance. Review status: criteria provided, multiple submitters, no conflicts (2 of 4 stars). 2 submissions from 2 submitters: Uncertain significance (2). Last evaluated 2025-08-08.

Submissions (2):

Labcorp Genetics (formerly Invitae), Labcorp
Classification: Uncertain significance. Last evaluated: 2025-08-08. Review status: criteria provided, single submitter. Criteria: Invitae Variant Classification Sherloc (09022015). Collection method: clinical testing. Allele origin: germline.
Comment: This sequence change replaces proline, which is neutral and non-polar, with leucine, which is neutral and non-polar, at codon 144 of the PHIP protein (p.Pro144Leu). This variant is not present in population databases (gnomAD no frequency). This variant has not been reported in the literature in individuals affected with PHIP-related conditions. ClinVar contains an entry for this variant (Variation ID: 1312408). Invitae Evidence Modeling of protein sequence and biophysical properties (such as structural, functional, and spatial information, amino acid conservation, physicochemical variation, residue mobility, and thermodynamic stability) indicates that this missense variant is not expected to disrupt PHIP protein function with a negative predictive value of 95%. In summary, the available evidence is currently insufficient to determine the role of this variant in disease. Therefore, it has been classified as a Variant of Uncertain Significance.

GeneDx
Classification: Uncertain significance. Last evaluated: 2019-09-25. Review status: criteria provided, single submitter. Criteria: GeneDx Variant Classification Process June 2021. Collection method: clinical testing. Allele origin: germline. Affected: yes.
Comment: Not observed in large population cohorts (Lek et al., 2016); In silico analysis, which includes protein predictors and evolutionary conservation, supports a deleterious effect; Has not been previously published as pathogenic or benign to our knowledge